The following is an entry in ClinVar:

NM_004168.4(SDHA):c.118A>C (p.Asn40His)

Gene: SDHA (succinate dehydrogenase complex flavoprotein subunit A; plus strand). Cytogenetic location: 5p15.33.
Variant type: single nucleotide variant.
Coding change: c.118A>C on transcript NM_004168.4 (MANE Select); coding-DNA position 118, A replaced by C.
Protein change: p.Asn40His; replaces asparagine 40 with histidine.
Molecular consequence: missense variant.
Genome position (GRCh38, 1-based): chr5:223,536, A>C. VCF-style: chr5-223536-A-C. GRCh37 (hg19) VCF-style: chr5-223651-A-C.
Other names: c.118A>C, p.Asn40His (NM_001294332.2, NM_001330758.2); short protein forms N40H.
Identifiers: ClinVar variation 4792200 (VCV004792200.1).
Genomic context (GRCh38, chr5:223,536, plus strand): 5'-CTCCAGTGGCCAACAGTGTTGCAAACAGGAACCCGAGGTTTTCACTTCACTGTTGATGGG[A>C]ACAAGAGGGCATCTGCTAAAGTTTCAGATTCCGTAAGTTCATGCTTTTTGTTCCATTATA-3'
Protein context (NP_004159.2, residues 30-50): TRGFHFTVDG[Asn40His]KRASAKVSDS

ClinVar aggregate classification (germline): Uncertain significance (1 of 4 stars; one submission).

Conditions:
Mitochondrial complex II deficiency, nuclear type 1. Also called: SUCCINATE CoQ REDUCTASE DEFICIENCY. Identifiers: Orphanet 3208, MedGen C5700310, MONDO:0100294, OMIM 252011.
Pheochromocytoma/paraganglioma syndrome 5. Also called: Paragangliomas 5; SDHA-Related Hereditary Paraganglioma-Pheochromocytoma Syndrome. Identifiers: Orphanet 29072, MedGen C3279992, MONDO:0013602, OMIM 614165.

Submission:

Labcorp Genetics (formerly Invitae), Labcorp
Classification: Uncertain significance for Pheochromocytoma/paraganglioma syndrome 5; Mitochondrial complex II deficiency, nuclear type 1. Last evaluated: 2025-05-21. Review status: criteria provided, single submitter. Criteria: Invitae Variant Classification Sherloc (09022015). Collection method: clinical testing. Allele origin: germline.
Comment: This sequence change replaces asparagine, which is neutral and polar, with histidine, which is basic and polar, at codon 40 of the SDHA protein (p.Asn40His). This variant is not present in population databases (gnomAD no frequency). This variant has not been reported in the literature in individuals affected with SDHA-related conditions. Invitae Evidence Modeling of protein sequence and biophysical properties (such as structural, functional, and spatial information, amino acid conservation, physicochemical variation, residue mobility, and thermodynamic stability) indicates that this missense variant is not expected to disrupt SDHA protein function with a negative predictive value of 95%. In summary, the available evidence is currently insufficient to determine the role of this variant in disease. Therefore, it has been classified as a Variant of Uncertain Significance.